The following is an entry in ClinVar:

NM_003849.4(SUCLG1):c.590-6G>A

Gene: SUCLG1 (succinate-CoA ligase GDP/ADP-forming subunit alpha; minus strand). Cytogenetic location: 2p11.2.
Variant type: single nucleotide variant.
Coding change: c.590-6G>A on transcript NM_003849.4 (MANE Select); 6 bases into the intron before coding-DNA position 590, G replaced by A.
Molecular consequence: intron variant.
Genome position (GRCh38, 1-based): chr2:84,433,441, C>T on the plus strand (G>A on the coding strand, the complement: SUCLG1 is on the minus strand). VCF-style: chr2-84433441-C-T. GRCh37 (hg19) VCF-style: chr2-84660565-C-T.
Identifiers: ClinVar variation 337155 (VCV000337155.14), dbSNP rs200107730, ClinGen allele CA1736245.
Genomic context (GRCh38, chr2:84,433,441, plus strand): 5'-TGCGTTGTTTGGTGAACTGCTTCATAAGTCAGGGTGCCAGATCTGGACACAATGCCTTAA[C>T]GAAAGAGAATTCAAAAATATTAGATTGTGTTTCTATGTTAGACTAAAACATGGTAAACTA-3'

ClinVar aggregate classification (germline): Likely benign. Review status: criteria provided, multiple submitters, no conflicts (2 of 4 stars). 3 submissions from 3 submitters: Likely benign (2). 1 of the submissions does not count toward it. Last evaluated 2026-01-26.

Conditions:
SUCLG1-related disorder. Also called: SUCLG1-related condition.
Mitochondrial DNA depletion syndrome 9 (MTDPS9). Also called: SUCLG1-Related Mitochondrial DNA Depletion Syndrome, Encephalomyopathic Form with Methylmalonic Aciduria. Identifiers: Orphanet 17, MedGen C3151476, MONDO:0009504, OMIM 245400.

Allele frequency attached by ClinVar (database versions not stated): gnomAD exomes 0.00006; TOPMed 0.00006; gnomAD 0.00007 and 0.00008; ExAC 0.00008.

Submissions (3):

Labcorp Genetics (formerly Invitae), Labcorp
Classification: Likely benign for Mitochondrial DNA depletion syndrome 9. Last evaluated: 2026-01-26. Review status: criteria provided, single submitter. Criteria: Invitae Variant Classification Sherloc (09022015). Collection method: clinical testing. Allele origin: germline.

GeneDx
Classification: Likely benign. Last evaluated: 2017-01-26. Review status: criteria provided, single submitter. Criteria: GeneDx Variant Classification (06012015). Collection method: clinical testing. Allele origin: germline. Affected: yes.
Comment: This variant is considered likely benign or benign based on one or more of the following criteria: it is a conservative change, it occurs at a poorly conserved position in the protein, it is predicted to be benign by multiple in silico algorithms, and/or has population frequency not consistent with disease.

PreventionGenetics, part of Exact Sciences
Classification: Likely benign for SUCLG1-related condition. Last evaluated: 2019-12-04. Review status: no assertion criteria provided. Collection method: clinical testing. Allele origin: germline. Not counted in ClinVar's aggregate classification.
Comment: This variant is classified as likely benign based on ACMG/AMP sequence variant interpretation guidelines (Richards et al. 2015 PMID: 25741868, with internal and published modifications).